The following is an entry in ClinVar:

NM_000169.3(GLA):c.848A>G (p.Gln283Arg)

Genes: GLA (galactosidase alpha; minus strand), RPL36A-HNRNPH2 (RPL36A-HNRNPH2 readthrough; plus strand). Cytogenetic location: Xq22.1.
Variant type: single nucleotide variant.
Coding change: c.848A>G on transcript NM_000169.3 (MANE Select); coding-DNA position 848, A replaced by G.
Protein change: p.Gln283Arg; replaces glutamine 283 with arginine.
Molecular consequence: missense variant. On other transcripts: non-coding transcript variant (3), intron variant (2).
Genome position (GRCh38, 1-based): chrX:101,398,521, T>C on the plus strand (A>G on the coding strand, the complement: GLA is on the minus strand). VCF-style: chrX-101398521-T-C. GRCh37 (hg19) VCF-style: chrX-100653509-T-C.
Other names: c.971A>G, p.Gln324Arg (NM_001406747.1); c.848A>G, p.Gln283Arg (NM_001406748.1); c.300+3064T>C (NM_001199973.2); c.177+6699T>C (NM_001199974.2); short protein forms Q283R, Q324R.
Identifiers: ClinVar variation 3069453 (VCV003069453.3), dbSNP rs2520863912, ClinGen allele CA413922915.

ClinVar aggregate classification (germline): Conflicting classifications of pathogenicity. Review status: criteria provided, conflicting classifications (1 of 4 stars). 2 submissions from 2 submitters: Pathogenic (1); Uncertain significance (1). Last evaluated 2026-09-08.

Conditions:
Fabry disease. Also called: Fabry's disease; ALPHA-GALACTOSIDASE A DEFICIENCY; ANDERSON-FABRY DISEASE; CERAMIDE TRIHEXOSIDASE DEFICIENCY; GLA DEFICIENCY; HEREDITARY DYSTOPIC LIPIDOSIS. Identifiers: Orphanet 324, MedGen C0002986, MONDO:0010526, OMIM 301500, HP:0001071. Disease mechanism: Fabry disease is due to inactivating mutations in the X-linked GLA gene resulting in deficiency of the enzyme Alpha Galactosidase-A., loss of function.

Submissions (2):

Genomenon, Inc
Classification: Pathogenic for Fabry disease. Last evaluated: 2026-09-08. Review status: criteria provided, single submitter. Criteria: Genomenon Sequence Variant Interpretation Standards - Updated. Collection method: curation. Allele origin: germline. Affected: yes.
Comment: GLA p.Gln283Arg (c.848A>G) is a missense variant that changes the amino acid at codon 283 from Glutamine to Arginine. This variant has been observed in at least one proband with clinical features consistent with Fabry disease (PMID:32843101;37940383). A de novo occurrence of this variant has been observed in at least one affected individual (PMID:32843101). At least one functional study has demonstrated a substantial alteration in protein function relative to the wild-type (PMID:27657681). It is absent or not present at a significant frequency in gnomAD. In silico models predict that this variant is possibly or probably damaging. In conclusion, we classify GLA p.Gln283Arg (c.848A>G) as a pathogenic variant.

All of Us Research Program, National Institutes of Health
Classification: Uncertain significance for Fabry disease. Last evaluated: 2023-03-04. Review status: criteria provided, single submitter. Criteria: ACMG Guidelines, 2015. Collection method: clinical testing. Allele origin: germline. Inheritance: X-linked inheritance. Observed: 1 variant allele, 1 homozygote.
Comment: This study involves interpretation of variants in research participants for the purpose of population health screening. Participant phenotype was not available at the time of variant classification. Additional details can be found in publication PMID: 35346344, PMCID: PMC8962531

Literature cited by the submitters: PubMed 32843101 (cited by Genomenon, Inc); PubMed 37940383 (cited by Genomenon, Inc); PubMed 27657681 (cited by Genomenon, Inc).